The following is an entry in ClinVar:

ClinVar aggregate classification (germline): Likely benign (1 of 4 stars; one submission).

Submission:

GeneDx
Classification: Likely benign. Last evaluated: 2017-01-31. Review status: criteria provided, single submitter. Criteria: GeneDx Variant Classification (06012015). Collection method: clinical testing. Allele origin: germline. Affected: yes.
Comment: This variant is considered likely benign or benign based on one or more of the following criteria: it is a conservative change, it occurs at a poorly conserved position in the protein, it is predicted to be benign by multiple in silico algorithms, and/or has population frequency not consistent with disease.

NM_001363711.2(DUOX2):c.3416-13C>T

Gene: DUOX2 (dual oxidase 2; minus strand). Cytogenetic location: 15q21.1.
Variant type: single nucleotide variant.
Coding change: c.3416-13C>T on transcript NM_001363711.2 (MANE Select); 13 bases into the intron before coding-DNA position 3416, C replaced by T.
Molecular consequence: intron variant.
Genome position (GRCh38, 1-based): chr15:45,099,495, G>A on the plus strand (C>T on the coding strand, the complement: DUOX2 is on the minus strand). VCF-style: chr15-45099495-G-A. GRCh37 (hg19) VCF-style: chr15-45391693-G-A.
Other names: c.3416-13C>T (NM_014080.5).
Identifiers: ClinVar variation 506975 (VCV000506975.1), dbSNP rs1555412892, ClinGen allele CA658798376.
Genomic context (GRCh38, chr15:45,099,495, plus strand): 5'-TGACTGAGAAGATGTAGACATTGACTGCGTGGCCAGCACTGTGCAAAACTGGAAGAGACA[G>A]ACCCTGTTAGAGATGCCAACCAGGACAGACTCTACCTCCGATCCTGAGGGAGAGAGGAGG-3'